The following is an entry in ClinVar:

NM_000283.4(PDE6B):c.104C>T (p.Ala35Val)

Gene: PDE6B (phosphodiesterase 6B; plus strand). Cytogenetic location: 4p16.3.
Variant type: single nucleotide variant.
Coding change: c.104C>T on transcript NM_000283.4 (MANE Select); coding-DNA position 104, C replaced by T.
Protein change: p.Ala35Val; replaces alanine 35 with valine.
Molecular consequence: missense variant.
Genome position (GRCh38, 1-based): chr4:625,730, C>T. VCF-style: chr4-625730-C-T. GRCh37 (hg19) VCF-style: chr4-619519-C-T.
Other names: c.104C>T, p.Ala35Val (NM_001145291.2, NM_001440547.1, NM_001440548.1); short protein forms A35V.
Identifiers: ClinVar variation 4746185 (VCV004746185.1).

ClinVar aggregate classification (germline): Uncertain significance (1 of 4 stars; one submission).

Submission:

Labcorp Genetics (formerly Invitae), Labcorp
Classification: Uncertain significance. Last evaluated: 2025-04-10. Review status: criteria provided, single submitter. Criteria: Invitae Variant Classification Sherloc (09022015). Collection method: clinical testing. Allele origin: germline.
Comment: This sequence change replaces alanine, which is neutral and non-polar, with valine, which is neutral and non-polar, at codon 35 of the PDE6B protein (p.Ala35Val). This variant is not present in population databases (gnomAD no frequency). This variant has not been reported in the literature in individuals affected with PDE6B-related conditions. Invitae Evidence Modeling of protein sequence and biophysical properties (such as structural, functional, and spatial information, amino acid conservation, physicochemical variation, residue mobility, and thermodynamic stability) indicates that this missense variant is not expected to disrupt PDE6B protein function with a negative predictive value of 95%. In summary, the available evidence is currently insufficient to determine the role of this variant in disease. Therefore, it has been classified as a Variant of Uncertain Significance.